The following is an entry in ClinVar:

NM_013266.4(CTNNA3):c.1922A>C (p.Glu641Ala)

Genes: CTNNA3 (catenin alpha 3; minus strand), CTNNA3-AS1 (CTNNA3 antisense RNA 1; plus strand). Cytogenetic location: 10q21.3.
Variant type: single nucleotide variant.
Coding change: c.1922A>C on transcript NM_013266.4 (MANE Select); coding-DNA position 1922, A replaced by C.
Protein change: p.Glu641Ala; replaces glutamic acid 641 with alanine.
Molecular consequence: missense variant.
Genome position (GRCh38, 1-based): chr10:66,103,212, T>G on the plus strand (A>C on the coding strand, the complement: CTNNA3 is on the minus strand). VCF-style: chr10-66103212-T-G. GRCh37 (hg19) VCF-style: chr10-67862970-T-G.
Other names: c.1922A>C, p.Glu641Ala (NM_001127384.3); short protein forms E641A.
Identifiers: ClinVar variation 3637513 (VCV003637513.2).

ClinVar aggregate classification (germline): Uncertain significance (1 of 4 stars; one submission).

Conditions:
Arrhythmogenic right ventricular dysplasia 13. Also called: ARRHYTHMOGENIC RIGHT VENTRICULAR CARDIOMYOPATHY 13; Arrhythmogenic right ventricular dysplasia, familial, 13. Identifiers: MedGen C3810138, MONDO:0000908, OMIM 615616.

Submission:

Labcorp Genetics (formerly Invitae), Labcorp
Classification: Uncertain significance for Arrhythmogenic right ventricular dysplasia 13. Last evaluated: 2024-08-08. Review status: criteria provided, single submitter. Criteria: Invitae Variant Classification Sherloc (09022015). Collection method: clinical testing. Allele origin: germline.
Comment: This sequence change replaces glutamic acid, which is acidic and polar, with alanine, which is neutral and non-polar, at codon 641 of the CTNNA3 protein (p.Glu641Ala). This variant is not present in population databases (gnomAD no frequency). This variant has not been reported in the literature in individuals affected with CTNNA3-related conditions. Advanced modeling of protein sequence and biophysical properties (such as structural, functional, and spatial information, amino acid conservation, physicochemical variation, residue mobility, and thermodynamic stability) performed at Invitae indicates that this missense variant is not expected to disrupt CTNNA3 protein function with a negative predictive value of 80%. In summary, the available evidence is currently insufficient to determine the role of this variant in disease. Therefore, it has been classified as a Variant of Uncertain Significance.